The following is an entry in ClinVar:

NM_000092.5(COL4A4):c.4324G>C (p.Gly1442Arg)

Gene: COL4A4 (collagen type IV alpha 4 chain; minus strand). Cytogenetic location: 2q36.3.
Variant type: single nucleotide variant.
Coding change: c.4324G>C on transcript NM_000092.5 (MANE Select); coding-DNA position 4324, G replaced by C.
Protein change: p.Gly1442Arg; replaces glycine 1442 with arginine.
Molecular consequence: missense variant.
Genome position (GRCh38, 1-based): chr2:227,012,190, C>G on the plus strand (G>C on the coding strand, the complement: COL4A4 is on the minus strand). VCF-style: chr2-227012190-C-G. GRCh37 (hg19) VCF-style: chr2-227876906-C-G.
Other names: short protein forms G1442R.
Identifiers: ClinVar variation 3340037 (VCV003340037.2).
Genomic context (GRCh38, chr2:227,012,190, plus strand): 5'-CAACTCTAAGGTTTACAGTGTCAGAGAAAAGAGGAGTGACTGAAACTCTACCTGGTCCTC[C>G]AGGGTAGCCGTCTTCTCCTGTGTCACCTTTACGTCCGGGAGGCCCAGGAGACCCAGGGAC-3'
Protein context (NP_000083.3, residues 1432-1452): KGDTGEDGYP[Gly1442Arg]GPGPPGPIGD

ClinVar aggregate classification (germline): Conflicting classifications of pathogenicity. Review status: criteria provided, conflicting classifications (1 of 4 stars). 2 submissions from 2 submitters: Likely pathogenic (1); Uncertain significance (1). Last evaluated 2024-06-19.

Conditions:
Autosomal recessive Alport syndrome (ATS2). Also called: COL4A4 Alport Syndrome and Thin Basement Membrane Nephropathy; ALPORT SYNDROME 2, AUTOSOMAL RECESSIVE; Alport syndrome type 2; COL4A3-Related Nephropathy. Identifiers: Orphanet 63, Orphanet 88919, MedGen C4746745, MONDO:0008762, OMIM 203780.
Hematuria, benign familial, 1 (BFH1). Also called: THIN MEMBRANE NEPHROPATHY. Identifiers: MedGen CN376803, MONDO:0007709, OMIM 141200.

Submissions (2):

Fulgent Genetics
Classification: Likely pathogenic for Hematuria, benign familial, 1; Autosomal recessive Alport syndrome. Last evaluated: 2024-06-19. Review status: criteria provided, single submitter. Criteria: ACMG Guidelines, 2015. Collection method: clinical testing. Allele origin: germline.

Women's Health and Genetics/Laboratory Corporation of America, LabCorp
Classification: Uncertain significance. Last evaluated: 2024-06-17. Review status: criteria provided, single submitter. Criteria: LabCorp Variant Classification Summary - May 2015. Collection method: clinical testing. Allele origin: germline.
Comment: Variant summary: COL4A4 c.4324G>C (p.Gly1442Arg) results in a non-conservative amino acid change in the encoded protein sequence. Five of five in-silico tools predict a damaging effect of the variant on protein function. The variant was absent in 249506 control chromosomes. The available data on variant occurrences in the general population are insufficient to allow any conclusion about variant significance. To our knowledge, no occurrence of c.4324G>C in individuals affected with Alport Syndrome, Autosomal Recessive and no experimental evidence demonstrating its impact on protein function have been reported. No submitters have cited clinical-significance assessments for this variant to ClinVar. Based on the evidence outlined above, the variant was classified as uncertain significance.